The following is an entry in ClinVar:

NM_022367.4(SEMA4A):c.1237G>A (p.Val413Met)

Gene: SEMA4A (semaphorin 4A; plus strand). Cytogenetic location: 1q22.
Variant type: single nucleotide variant.
Coding change: c.1237G>A on transcript NM_022367.4 (MANE Select); coding-DNA position 1237, G replaced by A.
Protein change: p.Val413Met; replaces valine 413 with methionine.
Molecular consequence: missense variant.
Genome position (GRCh38, 1-based): chr1:156,172,928, G>A. VCF-style: chr1-156172928-G-A. GRCh37 (hg19) VCF-style: chr1-156142719-G-A.
Other names: c.1237G>A, p.Val413Met (NM_001370567.1, NM_001193300.2, NM_001193301.2); c.940G>A, p.Val314Met (NM_001370568.1); c.730G>A, p.Val244Met (NM_001370569.1, NM_001370571.1); c.841G>A, p.Val281Met (NM_001193302.2); short protein forms V244M, V281M, V314M, V413M.
Identifiers: ClinVar variation 1061692 (VCV001061692.11), dbSNP rs764520336, ClinGen allele CA1155312.

ClinVar aggregate classification (germline): Uncertain significance. Review status: criteria provided, multiple submitters, no conflicts (2 of 4 stars). 3 submissions from 3 submitters: Uncertain significance (3). Last evaluated 2024-10-31.

Allele frequency attached by ClinVar (database versions not stated): gnomAD 0.00001; TOPMed 0.00001.
gnomAD v4.1: 22 of 1,614,042 alleles (0.0014%); highest among the groups gnomAD compares: Middle Eastern, 0.016%; no homozygotes.

Submissions (3):

Revvity Omics, Revvity
Classification: Uncertain significance. Last evaluated: 2024-10-31. Review status: criteria provided, single submitter. Criteria: ACMG Guidelines, 2015. Collection method: clinical testing. Allele origin: germline.

Labcorp Genetics (formerly Invitae), Labcorp
Classification: Uncertain significance. Last evaluated: 2024-10-20. Review status: criteria provided, single submitter. Criteria: Invitae Variant Classification Sherloc (09022015). Collection method: clinical testing. Allele origin: germline.
Comment: This sequence change replaces valine, which is neutral and non-polar, with methionine, which is neutral and non-polar, at codon 413 of the SEMA4A protein (p.Val413Met). This variant is present in population databases (rs764520336, gnomAD 0.007%). This variant has not been reported in the literature in individuals affected with SEMA4A-related conditions. ClinVar contains an entry for this variant (Variation ID: 1061692). Invitae Evidence Modeling of protein sequence and biophysical properties (such as structural, functional, and spatial information, amino acid conservation, physicochemical variation, residue mobility, and thermodynamic stability) indicates that this missense variant is not expected to disrupt SEMA4A protein function with a negative predictive value of 80%. In summary, the available evidence is currently insufficient to determine the role of this variant in disease. Therefore, it has been classified as a Variant of Uncertain Significance.

Blueprint Genetics
Classification: Uncertain significance. Last evaluated: 2022-01-18. Review status: criteria provided, single submitter. Criteria: ACMG Guidelines, 2015. Collection method: clinical testing. Allele origin: germline.